The following is an entry in ClinVar:

ClinVar aggregate classification (germline): Uncertain significance (1 of 4 stars; one submission).

Conditions:
Inborn genetic diseases. Identifiers: MedGen C0950123, MeSH D030342.

Allele frequency attached by ClinVar (database versions not stated): gnomAD exomes below 0.00001.
gnomAD v4.1: 2 of 1,458,118 alleles (0.00014%); highest among the groups gnomAD compares: East Asian, 0.0049%; no homozygotes.

Submission:

Ambry Genetics
Classification: Uncertain significance for Inborn genetic diseases. Last evaluated: 2022-07-22. Review status: criteria provided, single submitter. Criteria: Ambry Variant Classification Scheme 2023. Collection method: clinical testing. Allele origin: germline.
Comment: The c.1669-3C>T intronic alteration consists of a C to T substitution 3 nucleotides before coding exon 14 in the TNPO2 gene. Based on insufficient or conflicting evidence, the clinical significance of this alteration remains unclear.

NM_001382241.1(TNPO2):c.1669-3C>T

Gene: TNPO2 (transportin 2; minus strand). Cytogenetic location: 19p13.13.
Variant type: single nucleotide variant.
Coding change: c.1669-3C>T on transcript NM_001382241.1 (MANE Select); 3 bases into the intron before coding-DNA position 1669, C replaced by T.
Molecular consequence: intron variant.
Genome position (GRCh38, 1-based): chr19:12,705,771, G>A on the plus strand (C>T on the coding strand, the complement: TNPO2 is on the minus strand). VCF-style: chr19-12705771-G-A. GRCh37 (hg19) VCF-style: chr19-12816585-G-A.
Other names: c.1669-3C>T (NM_001382237.1, NM_001382240.1, NM_001382238.1 and 7 more transcripts).
Identifiers: ClinVar variation 2297239 (VCV002297239.2), dbSNP rs2025614002, ClinGen allele CA2323529488.